The following is an entry in ClinVar:

ClinVar aggregate classification (germline): Uncertain significance. Review status: criteria provided, multiple submitters, no conflicts (2 of 4 stars). 2 submissions from 2 submitters: Uncertain significance (2). Last evaluated 2025-09-11.

Conditions:
Pancreatic adenocarcinoma. Identifiers: MedGen C0281361, MONDO:0006047, HP:0006725.

Allele frequency attached by ClinVar (database versions not stated): gnomAD 0.00007; 1000 Genomes Project 30x 0.00016; 1000 Genomes Project 0.00020.

Submissions (2):

Labcorp Genetics (formerly Invitae), Labcorp
Classification: Uncertain significance for Pancreatic adenocarcinoma. Last evaluated: 2025-09-11. Review status: criteria provided, single submitter. Criteria: Invitae Variant Classification Sherloc (09022015). Collection method: clinical testing. Allele origin: germline.
Comment: This sequence change replaces valine, which is neutral and non-polar, with leucine, which is neutral and non-polar, at codon 95 of the PALLD protein (p.Val95Leu). This variant is present in population databases (rs551131343, gnomAD 0.03%). This variant has not been reported in the literature in individuals affected with PALLD-related conditions. ClinVar contains an entry for this variant (Variation ID: 238609). An algorithm developed to predict the effect of missense changes on protein structure and function (PolyPhen-2) suggests that this variant is likely to be tolerated. In summary, the available evidence is currently insufficient to determine the role of this variant in disease. Therefore, it has been classified as a Variant of Uncertain Significance.

Ambry Genetics
Classification: Uncertain significance. Last evaluated: 2025-08-08. Review status: criteria provided, single submitter. Criteria: Ambry Variant Classification Scheme 2023. Collection method: clinical testing. Allele origin: germline.

NM_001166108.2(PALLD):c.1965-12748G>C

Gene: PALLD (palladin, cytoskeletal associated protein; plus strand). Cytogenetic location: 4q32.3.
Variant type: single nucleotide variant.
Coding change: c.1965-12748G>C on transcript NM_001166108.2 (MANE Select); 12748 bases into the intron before coding-DNA position 1965, G replaced by C.
Molecular consequence: intron variant. On other transcripts: missense variant (1).
Genome position (GRCh38, 1-based): chr4:168,878,174, G>C. VCF-style: chr4-168878174-G-C. GRCh37 (hg19) VCF-style: chr4-169799325-G-C.
Other names: c.283G>C, p.Val95Leu (NM_001166110.2); c.1965-12748G>C (NM_016081.4); c.819-12748G>C (NM_001166109.2); c.-157-12748G>C (NM_001367570.1, NM_001367568.1, NM_001367567.1 and 1 more transcripts); short protein forms V95L.
Identifiers: ClinVar variation 238609 (VCV000238609.14), dbSNP rs551131343, ClinGen allele CA10582217.